The following is an entry in ClinVar:

NM_000388.4(CASR):c.711C>G (p.Ile237Met)

Gene: CASR (calcium sensing receptor; plus strand). Cytogenetic location: 3q21.1.
Variant type: single nucleotide variant.
Coding change: c.711C>G on transcript NM_000388.4 (MANE Select); coding-DNA position 711, C replaced by G.
Protein change: p.Ile237Met; replaces isoleucine 237 with methionine.
Molecular consequence: missense variant.
Genome position (GRCh38, 1-based): chr3:122,261,746, C>G. VCF-style: chr3-122261746-C-G. GRCh37 (hg19) VCF-style: chr3-121980593-C-G.
Other names: c.711C>G, p.Ile237Met (NM_001178065.2); short protein forms I237M.
Identifiers: ClinVar variation 1757255 (VCV001757255.2), dbSNP rs778379455, ClinGen allele CA354151186.

ClinVar aggregate classification (germline): Uncertain significance (1 of 4 stars; one submission).

Conditions:
Nephrolithiasis/nephrocalcinosis. Identifiers: MedGen CN580796.

Submission:

Ambry Genetics
Classification: Uncertain significance for Nephrolithiasis/nephrocalcinosis. Last evaluated: 2021-10-07. Review status: criteria provided, single submitter. Criteria: Ambry Variant Classification Scheme 2023. Collection method: clinical testing. Allele origin: germline.
Comment: The p.I237M variant (also known as c.711C>G), located in coding exon 3 of the CASR gene, results from a C to G substitution at nucleotide position 711. The isoleucine at codon 237 is replaced by methionine, an amino acid with highly similar properties. This amino acid position is conserved. In addition, this alteration is predicted to be deleterious by in silico analysis. Since supporting evidence is limited at this time, the clinical significance of this alteration remains unclear.